The following is an entry in ClinVar:

ClinVar aggregate classification (germline): Likely pathogenic (1 of 4 stars; one submission).

Conditions:
Autosomal recessive limb-girdle muscular dystrophy type 2J (LGMDR10). Also called: Limb-girdle muscular dystrophy, type 2J; MUSCULAR DYSTROPHY, LIMB-GIRDLE, AUTOSOMAL RECESSIVE 10. Identifiers: Orphanet 140922, MedGen C1837342, MONDO:0012127, OMIM 608807.
Dilated cardiomyopathy 1G (CMD1G). Identifiers: Orphanet 154, MedGen C1858763, MONDO:0011400, OMIM 604145.

Submission:

Labcorp Genetics (formerly Invitae), Labcorp
Classification: Likely pathogenic for Dilated cardiomyopathy 1G; Autosomal recessive limb-girdle muscular dystrophy type 2J. Last evaluated: 2024-01-02. Review status: criteria provided, single submitter. Criteria: Invitae Variant Classification Sherloc (09022015). Collection method: clinical testing. Allele origin: unknown.
Comment: This variant results in the deletion of exons 295 and part of exon 294 (c.57311_57847+296del) of the TTN gene. It is expected to disrupt RNA splicing and likely results in a truncated or disrupted TTN protein. This variant has not been reported in the literature in individuals affected with TTN-related conditions. This variant is located in the A band of TTN (PMID: 25589632). Truncating variants in this region are significantly overrepresented in patients affected with dilated cardiomyopathy (PMID: 25589632). Truncating variants in this region have also been reported in individuals affected with autosomal recessive centronuclear myopathy (PMID: 23975875). In summary, the currently available evidence indicates that the variant is pathogenic, but additional data are needed to prove that conclusively. Therefore, this variant has been classified as Likely Pathogenic.

Literature cited by the submitters: PubMed 25589632; PubMed 23975875.

NC_000002.11:g.(?_179459938)_(179462498_?)del

Gene: TTN (titin; minus strand). Cytogenetic location: 2q31.2.
Variant type: Deletion.
Identifiers: ClinVar variation 3247305 (VCV003247305.1).